The following is an entry in ClinVar:

NM_014915.3(ANKRD26):c.4064A>G (p.Glu1355Gly)

Gene: ANKRD26 (ankyrin repeat domain containing 26; minus strand). Cytogenetic location: 10p12.1.
Variant type: single nucleotide variant.
Coding change: c.4064A>G on transcript NM_014915.3 (MANE Select); coding-DNA position 4064, A replaced by G.
Protein change: p.Glu1355Gly; replaces glutamic acid 1355 with glycine.
Molecular consequence: missense variant.
Genome position (GRCh38, 1-based): chr10:27,024,468, T>C on the plus strand (A>G on the coding strand, the complement: ANKRD26 is on the minus strand). VCF-style: chr10-27024468-T-C. GRCh37 (hg19) VCF-style: chr10-27313397-T-C.
Other names: c.4061A>G, p.Glu1354Gly (NM_001256053.2); short protein forms E1354G, E1355G.
Identifiers: ClinVar variation 3397126 (VCV003397126.1).
Genomic context (GRCh38, chr10:27,024,468, plus strand): 5'-AATGAATGGTTAAAATGATCTGAAATATTAAAATCTTACCCAGTTATCTCTCTTTCTAAT[T>C]CAACATTTTTCTTCATTTCTTGATCCAAATTACATTCCAGTGACTGTTTTAATTCCATAA-3'
Protein context (NP_055730.2, residues 1345-1365): NLDQEMKKNV[Glu1355Gly]LEREITGFKN

ClinVar aggregate classification (germline): Uncertain significance (1 of 4 stars; one submission).

Conditions:
Inborn genetic diseases. Identifiers: MedGen C0950123, MeSH D030342.

Submission:

Ambry Genetics
Classification: Uncertain significance for Inborn genetic diseases. Last evaluated: 2024-12-04. Review status: criteria provided, single submitter. Criteria: Ambry Variant Classification Scheme 2023. Collection method: clinical testing. Allele origin: germline.
Comment: The p.E1355G variant (also known as c.4064A>G), located in coding exon 28 of the ANKRD26 gene, results from an A to G substitution at nucleotide position 4064. The glutamic acid at codon 1355 is replaced by glycine, an amino acid with similar properties. This amino acid position is conserved. In addition, this alteration is predicted to be tolerated by in silico analysis. Based on the available evidence, the clinical significance of this variant remains unclear.